The following is an entry in ClinVar:

NM_003812.4(ADAM23):c.2268del (p.Cys757fs)

Gene: ADAM23 (ADAM metallopeptidase domain 23; plus strand). Cytogenetic location: 2q33.3.
Variant type: Deletion.
Coding change: c.2268del on transcript NM_003812.4 (MANE Select); coding-DNA position 2268, one base deleted (C; older notation c.2268delC).
Protein change: p.Cys757fs; shifts the reading frame from cysteine 757.
Molecular consequence: frameshift variant.
Genome position (GRCh38, 1-based): chr2:206,596,071, C deleted; the last of 2 consecutive C bases (chr2:206,596,070-206,596,071); deleting either gives the same sequence. VCF-style (leftmost placement, unchanged base first): chr2-206596069-AC-A. GRCh37 (hg19) VCF-style: chr2-207460793-AC-A.
Other names: c.2268delC (NM_003812.4); short protein forms C757fs.
Identifiers: ClinVar variation 1320308 (VCV001320308.2), dbSNP rs2105852296, ClinGen allele CA2573051846.
Genomic context (GRCh38, chr2:206,596,069, plus strand): 5'-AAATACAGTGAAAATGCCATATCTGTTCCTTTTTCTTCACAGGTGTGTAGTAATGAAGCC[AC>A]CTGCATTTGTGATTTCACCTGGGCAGGGACAGATTGCAGTATCCGGGATCCAGTTAGGAA-3'

ClinVar aggregate classification (germline): Uncertain significance. Review status: criteria provided, single submitter (1 of 4 stars). 2 submissions from 2 submitters: Uncertain significance (1). 1 of the submissions does not count toward it. Last evaluated 2021-09-08.

Submissions (2):

HudsonAlpha Institute for Biotechnology
Classification: Uncertain significance. Last evaluated: 2021-09-08. Review status: criteria provided, single submitter. Criteria: ACMG Guidelines, 2015. Collection method: research. Allele origin: biparental. Observed: 1 homozygote. Study: CSER-SouthSeq.
Comment: ACMG codes: PM2

OMIM
Classification: Uncertain significance for VARIANT OF UNKNOWN SIGNIFICANCE. Last evaluated: 2026-01-22. Review status: no assertion criteria provided. Collection method: literature only. Allele origin: germline. Not counted in ClinVar's aggregate classification.

Literature cited by the submitters: PubMed 40455867 (cited by OMIM).